The following is an entry in ClinVar:

ClinVar aggregate classification (germline): Uncertain significance (1 of 4 stars; one submission).

Conditions:
Cardiovascular phenotype. Identifiers: MedGen CN230736.

Allele frequency attached by ClinVar (database versions not stated): gnomAD 0.00001; gnomAD exomes 0.00001; ExAC 0.00003; 1000 Genomes Project 30x 0.00016; 1000 Genomes Project 0.00020.
gnomAD v4.1: 13 of 1,602,080 alleles (0.00081%); highest among the groups gnomAD compares: South Asian, 0.015%; no homozygotes.

Submission:

Ambry Genetics
Classification: Uncertain significance for Cardiovascular phenotype. Last evaluated: 2023-07-07. Review status: criteria provided, single submitter. Criteria: Ambry Variant Classification Scheme 2023. Collection method: clinical testing. Allele origin: germline.
Comment: The p.A429P variant (also known as c.1285G>C), located in coding exon 23 of the COL1A2 gene, results from a G to C substitution at nucleotide position 1285. The alanine at codon 429 is replaced by proline, an amino acid with highly similar properties. This alteration has been reported in an osteogenesis imperfecta (OI) cohort; however, additional alterations in related genes were identified (Mrosk J et al. Bone, 2018 May;110:368-377). This amino acid position is not well conserved in available vertebrate species. In addition, the in silico prediction for this alteration is inconclusive. Since supporting evidence is limited at this time, the clinical significance of this alteration remains unclear.

Literature cited by the submitters: PubMed 29499418.

NM_000089.4(COL1A2):c.1285G>C (p.Ala429Pro)

Gene: COL1A2 (collagen type I alpha 2 chain; plus strand). Cytogenetic location: 7q21.3.
Variant type: single nucleotide variant.
Coding change: c.1285G>C on transcript NM_000089.4 (MANE Select); coding-DNA position 1285, G replaced by C.
Protein change: p.Ala429Pro; replaces alanine 429 with proline.
Molecular consequence: missense variant.
Genome position (GRCh38, 1-based): chr7:94,411,089, G>C. VCF-style: chr7-94411089-G-C. GRCh37 (hg19) VCF-style: chr7-94040401-G-C.
Other names: short protein forms A429P.
Identifiers: ClinVar variation 2586614 (VCV002586614.2), dbSNP rs546313661, ClinGen allele CA4346996.